The following is an entry in ClinVar:

ClinVar aggregate classification (germline): Benign (1 of 4 stars; one submission).

Allele frequency attached by ClinVar (database versions not stated): 1000 Genomes Project 0.00120; gnomAD 0.00120; TOPMed 0.00143; 1000 Genomes Project 30x 0.00156; gnomAD exomes 0.00158.
gnomAD v4.1: 596 of 398,544 alleles (0.15%); highest among the groups gnomAD compares: Middle Eastern, 0.57%; 3 homozygotes.

Submission:

CeGaT Center for Human Genetics Tuebingen
Classification: Benign. Last evaluated: 2026-08-01. Review status: criteria provided, single submitter. Criteria: CeGaT Center For Human Genetics Tuebingen Variant Classification Criteria Version 2. Collection method: clinical testing. Allele origin: germline. Affected: yes. Observed: 14 variant alleles.
Comment: KCNQ1OT1: BS1, BS2

NM_000218.3(KCNQ1):c.1394-30776T>A

Genes: KCNQ1 (potassium voltage-gated channel subfamily Q member 1; plus strand), KCNQ1OT1 (KCNQ1 opposite strand/antisense transcript 1; minus strand). Cytogenetic location: 11p15.5.
Variant type: single nucleotide variant.
Coding change: c.1394-30776T>A on transcript NM_000218.3 (MANE Select); 30776 bases into the intron before coding-DNA position 1394, T replaced by A.
Molecular consequence: intron variant.
Genome position (GRCh38, 1-based): chr11:2,631,185, T>A. VCF-style: chr11-2631185-T-A. GRCh37 (hg19) VCF-style: chr11-2652415-T-A.
Other names: c.1124-30776T>A (NM_001406837.1); c.1298-30776T>A (NM_001406836.1); c.854-30776T>A (NM_001406838.1); c.1013-30776T>A (NM_181798.2).
Identifiers: ClinVar variation 2578631 (VCV002578631.25), dbSNP rs185438656, ClinGen allele CA216145487.
Genomic context (GRCh38, chr11:2,631,185, plus strand): 5'-AAGAGCCCCAGATATGGGAAGTTTTCAGCCATTATTTCTCTGAATTAACTTTCTACCCTT[T>A]ACCTCTCTACTTTCCTTCTATAAATCCTGTGTGAACATTAACTCTCCTGATGGTGTCCCA-3'